The following is an entry in ClinVar:

ClinVar aggregate classification (germline): Uncertain significance (1 of 4 stars; one submission).

gnomAD v4.1: 1 of 1,544,954 alleles (0.000065%); highest among the groups gnomAD compares: Non-Finnish European, 0.000087%; no homozygotes.

Submission:

CeGaT Center for Human Genetics Tuebingen
Classification: Uncertain significance. Last evaluated: 2024-07-01. Review status: criteria provided, single submitter. Criteria: CeGaT Center For Human Genetics Tuebingen Variant Classification Criteria Version 2. Collection method: clinical testing. Allele origin: germline. Affected: yes. Observed: 1 variant allele.
Comment: ADGRV1: PM2

NM_032119.4(ADGRV1):c.12849+4T>G

Gene: ADGRV1 (adhesion G protein-coupled receptor V1; plus strand). Cytogenetic location: 5q14.3.
Variant type: single nucleotide variant.
Coding change: c.12849+4T>G on transcript NM_032119.4 (MANE Select); 4 bases into the intron after coding-DNA position 12849, T replaced by G.
Molecular consequence: intron variant.
Genome position (GRCh38, 1-based): chr5:90,778,613, T>G. VCF-style: chr5-90778613-T-G. GRCh37 (hg19) VCF-style: chr5-90074430-T-G.
Identifiers: ClinVar variation 3257671 (VCV003257671.17).